The following is an entry in ClinVar:

ClinVar aggregate classification (germline): Conflicting classifications of pathogenicity. Review status: criteria provided, conflicting classifications (1 of 4 stars). 7 submissions from 7 submitters: Pathogenic (1); Likely pathogenic (3); Uncertain significance (1). 2 of the submissions do not count toward it. Last evaluated 2026-01-30.

Conditions:
Bryant-Li-Bhoj neurodevelopmental syndrome 1 (BRYLIB1). Identifiers: MedGen C5676905, MONDO:0030606, OMIM 619720.
Intellectual disability. Also called: Intellectual functioning disability; intellectual disabilities; Intellectual developmental disorder. Identifiers: MedGen C3714756, MeSH D008607, MONDO:0001071, HP:0001249.
Global developmental delay (DD). Also called: Cognitive delay. Identifiers: MedGen C0557874, HP:0001263. Disease mechanism: loss of function.
Brain imaging abnormality. Identifiers: MedGen C2711610, HP:0410263.
Delayed speech and language development. Also called: Language delay. Identifiers: MedGen C0454644, HP:0000750.
Short stature. Identifiers: MedGen C0349588, HP:0004322.

Submissions (7):

Dasa
Classification: Likely pathogenic. Last evaluated: 2026-01-30. Review status: criteria provided, single submitter. Criteria: DASA Assertion Criteria. Collection method: clinical testing. Allele origin: germline.
Comment: NM_002107.7(H3F3A):c.365C>T (p.Pro122Leu) is a missense variant that results in the substitution of proline with leucine. The affected residue or protein region has prior evidence supporting clinical relevance. This variant has been reported as a de novo occurrence in an affected individual (PMID: 33268356; PMID: 34876591). Functional evidence supports an impact on the gene or gene product (PMID: 34876591; PMID: 33268356; PMID: 38678163). Also, this variant is absent from population databases. Based on the currently available evidence, this variant is classified as likely pathogenic.

HudsonAlpha Institute for Biotechnology
Classification: Likely pathogenic. Last evaluated: 2023-04-07. Review status: criteria provided, single submitter. Criteria: ACMG Guidelines, 2015. Collection method: research. Allele origin: de novo. Inheritance: Autosomal dominant inheritance. Observed: 1 variant allele. Study: HudsonAlpha-AGHI-WGS.

GeneDx
Classification: Pathogenic. Last evaluated: 2022-07-09. Review status: criteria provided, single submitter. Criteria: GeneDx Variant Classification Process June 2021. Collection method: clinical testing. Allele origin: germline. Affected: yes.
Comment: Not observed at significant frequency in large population cohorts (gnomAD); In silico analysis supports that this missense variant has a deleterious effect on protein structure/function; This variant is associated with the following publications: (PMID: 33268356, 21636898, 34876591)

CeGaT Center for Human Genetics Tuebingen
Classification: Uncertain significance. Last evaluated: 2020-11-01. Review status: criteria provided, single submitter. Criteria: CeGaT Center For Human Genetics Tuebingen Variant Classification Criteria Version 2. Collection method: clinical testing. Allele origin: germline. Affected: yes. Observed: 1 variant allele.

Ambry Genetics
Classification: Likely pathogenic. Last evaluated: 2019-11-14. Review status: criteria provided, single submitter. Criteria: Ambry Variant Classification Scheme 2023. Collection method: clinical testing. Allele origin: germline.
Comment: The alteration results in an amino acid change:_x000D_ _x000D_ The c.365C>T (p.P122L) alteration is located in exon 4 (coding exon 3) of the H3F3A gene. This alteration results from a C to T substitution at nucleotide position 365, causing the proline (P) at amino acid position 122 to be replaced by a leucine (L). The alteration is not observed in population databases:_x000D_ _x000D_ Based on data from the Genome Aggregation Database (gnomAD), the H3F3A c.365C>T alteration was not observed, with coverage at this position The altered amino acid is conserved throughout evolution:_x000D_ _x000D_ The p.P122 amino acid is conserved in available vertebrate species. The amino acid is located in a functionally important protein domain:_x000D_ _x000D_ The p.P122L lies on the protein surface is and predicted to be moderately disruptive and is more disruptive than known pathogenic variants (Tachiwana, 2011). The alteration is predicted inconclusive by in silico modeling:_x000D_ _x000D_ The in silico prediction for the p.P122L alteration is inconclusive. Based on the available evidence, this alteration is classified as likely pathogenic.

OMIM
Classification: Pathogenic for BRYANT-LI-BHOJ NEURODEVELOPMENTAL SYNDROME 1. Last evaluated: 2022-02-01. Review status: no assertion criteria provided. Collection method: literature only. Allele origin: germline. Not counted in ClinVar's aggregate classification.

Baylor Genetics
Classification: Likely pathogenic for Global developmental delay; Delayed speech and language development; Intellectual disability; Short stature; Brain imaging abnormality. Last evaluated: 2021-07-15. Review status: no assertion criteria provided. Collection method: research. Allele origin: de novo. Affected: yes. Observed: 1 variant allele. Not counted in ClinVar's aggregate classification.

Literature cited by the submitters: PubMed 34876591 (cited by Dasa and OMIM); PubMed 33268356 (cited by 3 submitters); PubMed 38678163 (cited by Dasa); PubMed 21636898 (cited by Ambry Genetics).

NM_002107.7(H3-3A):c.365C>T (p.Pro122Leu)

Gene: H3-3A (H3.3 histone A; plus strand). Cytogenetic location: 1q42.12.
Variant type: single nucleotide variant.
Coding change: c.365C>T on transcript NM_002107.7 (MANE Select); coding-DNA position 365, C replaced by T.
Protein change: p.Pro122Leu; replaces proline 122 with leucine.
Molecular consequence: missense variant.
Genome position (GRCh38, 1-based): chr1:226,071,433, C>T. VCF-style: chr1-226071433-C-T. GRCh37 (hg19) VCF-style: chr1-226259134-C-T.
Other names: H3F3A, PRO122LEU; c.365C>T, p.Pro122Leu (NM_001379043.1, NM_001379045.1, NM_001379046.1 and 1 more transcripts); short protein forms P122L.
Identifiers: ClinVar variation 690374 (VCV000690374.49), dbSNP rs1576203003, ClinGen allele CA345020966.